The following is an entry in ClinVar:

NM_003002.4(SDHD):c.170-2A>G

Gene: SDHD (succinate dehydrogenase complex subunit D; plus strand). Cytogenetic location: 11q23.1.
Variant type: single nucleotide variant.
Coding change: c.170-2A>G on transcript NM_003002.4 (MANE Select); the canonical splice acceptor site of the intron before coding-DNA position 170, A replaced by G.
Molecular consequence: splice acceptor variant. On other transcripts: intron variant (1).
Genome position (GRCh38, 1-based): chr11:112,088,865, A>G. VCF-style: chr11-112088865-A-G. GRCh37 (hg19) VCF-style: chr11-111959589-A-G.
Other names: c.170-2A>G (NM_001276506.2, NM_003002.2); c.169+892A>G (NM_001276503.2); c.53-2A>G (NM_001276504.2).
Identifiers: ClinVar variation 2949976 (VCV002949976.4), dbSNP rs2498904353, ClinGen allele CA382617145.

ClinVar aggregate classification (germline): Pathogenic/Likely pathogenic. Review status: criteria provided, multiple submitters, no conflicts (2 of 4 stars). 2 submissions from 2 submitters: Pathogenic (1); Likely pathogenic (1). Last evaluated 2024-10-31.

Conditions:
Cowden syndrome 3 (CWS3). Identifiers: Orphanet 201, MedGen CN166604, MONDO:0014045.
Pheochromocytoma. Also called: MAX-Related Hereditary Paraganglioma-Pheochromocytoma Syndrome. Identifiers: Orphanet 29072, MedGen C0031511, MONDO:0008233, OMIM 171300, HP:0002666.
Paragangliomas with sensorineural hearing loss. Identifiers: MedGen C1868633.
Carney-Stratakis syndrome. Also called: PARAGANGLIOMA AND GASTROINTESTINAL STROMAL TUMOR. Identifiers: Orphanet 97286, MedGen C1847319, MONDO:0011740, OMIM 606864.
Hereditary cancer-predisposing syndrome. Also called: Hereditary Cancer Syndrome; Neoplastic Syndromes, Hereditary; Tumor predisposition; Hereditary neoplastic syndrome. Identifiers: Orphanet 140162, MedGen C0027672, MeSH D009386, MONDO:0015356.

Submissions (2):

Ambry Genetics
Classification: Likely pathogenic for Hereditary cancer-predisposing syndrome. Last evaluated: 2024-10-31. Review status: criteria provided, single submitter. Criteria: Ambry Variant Classification Scheme 2023. Collection method: clinical testing. Allele origin: germline.
Comment: The c.170-2A>G intronic variant results from an A to G substitution two nucleotides upstream from coding exon 3 in the SDHD gene. This variant has been observed in at least one individual with a personal and/or family history that is consistent with hereditary paraganglioma and pheochromocytoma syndrome (Ambry internal data). This nucleotide position is highly conserved in available vertebrate species. In silico splice site analysis predicts that this alteration will weaken the native splice acceptor site. RNA studies have demonstrated that this alteration results in abnormal splicing in the set of samples tested (Ambry internal data). Another alteration impacting the same acceptor site (c.170-1G>T) has been described to have a similar RNA impact and has been observed in affected individuals (Renard L et al. Head Neck, 2003 Feb;25:146-51; Zuo Y et al. Urology, 2018 Jun;116:63-67; Santi R et al. Anticancer Res, 2017 Feb;37:805-812). This variant is considered to be rare based on population cohorts in the Genome Aggregation Database (gnomAD). Based on the majority of available evidence to date, this variant is likely to be pathogenic.

Labcorp Genetics (formerly Invitae), Labcorp
Classification: Pathogenic for Carney-Stratakis syndrome; Paragangliomas with sensorineural hearing loss; Pheochromocytoma; Cowden syndrome 3. Last evaluated: 2023-07-17. Review status: criteria provided, single submitter. Criteria: Invitae Variant Classification Sherloc (09022015). Collection method: clinical testing. Allele origin: germline.
Comment: For these reasons, this variant has been classified as Pathogenic. Studies have shown that disruption of this splice site is associated with altered splicing resulting in multiple RNA products (PMID: 12509798; Invitae). Disruption of this splice site has been observed in individual(s) with SDHD-related conditions (PMID: 12114404, 12509798, 18551016, 19075037, 22566194, 29545045, 30050099, 30877234). It has also been observed to segregate with disease in related individuals. This variant is not present in population databases (gnomAD no frequency). This sequence change affects an acceptor splice site in intron 2 of the SDHD gene. It is expected to disrupt RNA splicing. Variants that disrupt the donor or acceptor splice site typically lead to a loss of protein function (PMID: 16199547), and loss-of-function variants in SDHD are known to be pathogenic (PMID: 19454582, 19802898).

Literature cited by the submitters: PubMed 12509798 (cited by Ambry Genetics and Labcorp Genetics (formerly Invitae), Labcorp); PubMed 28179334 (cited by Ambry Genetics); PubMed 29545045 (cited by Ambry Genetics and Labcorp Genetics (formerly Invitae), Labcorp); PubMed 12114404 (cited by Labcorp Genetics (formerly Invitae), Labcorp); PubMed 18551016 (cited by Labcorp Genetics (formerly Invitae), Labcorp); PubMed 19075037 (cited by Labcorp Genetics (formerly Invitae), Labcorp); PubMed 22566194 (cited by Labcorp Genetics (formerly Invitae), Labcorp); PubMed 30050099 (cited by Labcorp Genetics (formerly Invitae), Labcorp); PubMed 30877234 (cited by Labcorp Genetics (formerly Invitae), Labcorp); PubMed 16199547 (cited by Labcorp Genetics (formerly Invitae), Labcorp); PubMed 19454582 (cited by Labcorp Genetics (formerly Invitae), Labcorp); PubMed 19802898 (cited by Labcorp Genetics (formerly Invitae), Labcorp).